The following is an entry in ClinVar:

ClinVar aggregate classification (germline): Uncertain significance (1 of 4 stars; one submission).

Conditions:
Dilated cardiomyopathy 1KK (CMD1KK). Identifiers: Orphanet 154, Orphanet 75249, MedGen C3714995, MONDO:0014100, OMIM 615248.

Allele frequency attached by ClinVar (database versions not stated): gnomAD exomes below 0.00001.
gnomAD v4.1: 1 of 1,614,092 alleles (0.000062%); highest among the groups gnomAD compares: South Asian, 0.0011%; no homozygotes.

Submission:

Labcorp Genetics (formerly Invitae), Labcorp
Classification: Uncertain significance for Dilated cardiomyopathy 1KK. Last evaluated: 2021-10-18. Review status: criteria provided, single submitter. Criteria: Invitae Variant Classification Sherloc (09022015). Collection method: clinical testing. Allele origin: germline.
Comment: This variant is not present in population databases (ExAC no frequency). In summary, the available evidence is currently insufficient to determine the role of this variant in disease. Therefore, it has been classified as a Variant of Uncertain Significance. Algorithms developed to predict the effect of missense changes on protein structure and function are either unavailable or do not agree on the potential impact of this missense change (SIFT: "Tolerated"; PolyPhen-2: "Probably Damaging"; Align-GVGD: "Class C0"). This variant has not been reported in the literature in individuals affected with MYPN-related conditions. This sequence change replaces alanine with glycine at codon 331 of the MYPN protein (p.Ala331Gly). The alanine residue is highly conserved and there is a small physicochemical difference between alanine and glycine.

NM_032578.4(MYPN):c.992C>G (p.Ala331Gly)

Gene: MYPN (myopalladin; plus strand). Cytogenetic location: 10q21.3.
Variant type: single nucleotide variant.
Coding change: c.992C>G on transcript NM_032578.4 (MANE Select); coding-DNA position 992, C replaced by G.
Protein change: p.Ala331Gly; replaces alanine 331 with glycine.
Molecular consequence: missense variant. On other transcripts: non-coding transcript variant (2).
Genome position (GRCh38, 1-based): chr10:68,143,029, C>G. VCF-style: chr10-68143029-C-G. GRCh37 (hg19) VCF-style: chr10-69902786-C-G.
Other names: c.992C>G, p.Ala331Gly (NM_001256267.2); c.110C>G, p.Ala37Gly (NM_001256268.2); short protein forms A331G, A37G.
Identifiers: ClinVar variation 1433547 (VCV001433547.6), dbSNP rs2134066513, ClinGen allele CA376829116.
Genomic context (GRCh38, chr10:68,143,029, plus strand): 5'-ATTCCCCAGATATTCACATCGTCCAGGCAGGAAATCTGCACTCACTGACCATTGCGGAAG[C>G]CTTTGAAGAGGACACAGGACGCTATTCCTGCTTTGCTTCTAACATCTATGGGACAGATTC-3'
Protein context (NP_115967.2, residues 321-341): GNLHSLTIAE[Ala331Gly]FEEDTGRYSC